The following is an entry in ClinVar:

NM_006295.3(VARS1):c.2272C>A (p.Arg758Ser)

Gene: VARS1 (valyl-tRNA synthetase 1; minus strand). Cytogenetic location: 6p21.33.
Variant type: single nucleotide variant.
Coding change: c.2272C>A on transcript NM_006295.3 (MANE Select); coding-DNA position 2272, C replaced by A.
Protein change: p.Arg758Ser; replaces arginine 758 with serine.
Molecular consequence: missense variant.
Genome position (GRCh38, 1-based): chr6:31,781,922, G>T on the plus strand (C>A on the coding strand, the complement: VARS1 is on the minus strand). VCF-style: chr6-31781922-G-T. GRCh37 (hg19) VCF-style: chr6-31749699-G-T.
Other names: short protein forms R758S.
Identifiers: ClinVar variation 3026783 (VCV003026783.22), dbSNP rs1294452351, ClinGen allele CA363452626.

ClinVar aggregate classification (germline): Uncertain significance (1 of 4 stars; one submission).

Submission:

CeGaT Center for Human Genetics Tuebingen
Classification: Uncertain significance. Last evaluated: 2024-01-01. Review status: criteria provided, single submitter. Criteria: CeGaT Center For Human Genetics Tuebingen Variant Classification Criteria Version 2. Collection method: clinical testing. Allele origin: germline. Affected: yes. Observed: 1 variant allele.
Comment: VARS1: PM2, BP4